The following is an entry in ClinVar:

NM_004415.4(DSP):c.8484C>G (p.Gly2828=)

Gene: DSP (desmoplakin; plus strand). Cytogenetic location: 6p24.3.
Variant type: single nucleotide variant.
Coding change: c.8484C>G on transcript NM_004415.4 (MANE Select); coding-DNA position 8484, C replaced by G.
Protein change: p.Gly2828=; no amino-acid change (glycine 2828 retained).
Molecular consequence: synonymous variant.
Genome position (GRCh38, 1-based): chr6:7,585,746, C>G. VCF-style: chr6-7585746-C-G. GRCh37 (hg19) VCF-style: chr6-7585979-C-G.
Other names: c.6687C>G, p.Gly2229= (NM_001008844.3); c.7155C>G, p.Gly2385= (NM_001319034.2).
Identifiers: ClinVar variation 789408 (VCV000789408.13), dbSNP rs1467235605, ClinGen allele CA448531239.

ClinVar aggregate classification (germline): Likely benign. Review status: criteria provided, multiple submitters, no conflicts (2 of 4 stars). 4 submissions from 4 submitters: Likely benign (4). Last evaluated 2024-02-17.

Conditions:
Arrhythmogenic cardiomyopathy with wooly hair and keratoderma. Also called: Carvajal syndrome; Dilated cardiomyopathy with woolly hair and keratoderma; Arrhythmogenic cardiomyopathy with woolly hair and keratoderma; PALMOPLANTAR KERATODERMA WITH LEFT VENTRICULAR CARDIOMYOPATHY AND WOOLLY HAIR. Identifiers: Orphanet 65282, MedGen C1854063, MONDO:0011581, OMIM 605676.
Cardiovascular phenotype. Identifiers: MedGen CN230736.
Arrhythmogenic right ventricular dysplasia 8 (ARVD8). Also called: ARRHYTHMOGENIC RIGHT VENTRICULAR DYSPLASIA, FAMILIAL, 8; ARRHYTHMOGENIC RIGHT VENTRICULAR CARDIOMYOPATHY 8; Arrhythmogenic Right Ventricular Dysplasia/Cardiomyopathy 8. Identifiers: MedGen C1843896, MONDO:0011831, OMIM 607450.
Cardiomyopathy (CMYO). Also called: Cardiomyopathies. Identifiers: Orphanet 167848, MedGen C0878544, MONDO:0004994, HP:0001638. Inheritance: Various modes of inheritance.

Allele frequency attached by ClinVar (database versions not stated): gnomAD 0.00001 and 0.00002; TOPMed 0.00002.
gnomAD v4.1: 2 of 1,610,216 alleles (0.00012%); highest among the groups gnomAD compares: Non-Finnish European, 0.00017%; no homozygotes.

Submissions (4):

Labcorp Genetics (formerly Invitae), Labcorp
Classification: Likely benign for Arrhythmogenic cardiomyopathy with wooly hair and keratoderma; Arrhythmogenic right ventricular dysplasia 8. Last evaluated: 2024-02-17. Review status: criteria provided, single submitter. Criteria: Invitae Variant Classification Sherloc (09022015). Collection method: clinical testing. Allele origin: germline.

All of Us Research Program, National Institutes of Health
Classification: Likely benign for Arrhythmogenic cardiomyopathy with wooly hair and keratoderma. Last evaluated: 2023-09-04. Review status: criteria provided, single submitter. Criteria: ACMG Guidelines, 2015. Collection method: clinical testing. Allele origin: germline. Inheritance: Autosomal dominant inheritance. Observed: 4 variant alleles, 4 heterozygotes.
Comment: This study involves interpretation of variants in research participants for the purpose of population health screening. Participant phenotype was not available at the time of variant classification. Additional details can be found in publication PMID: 35346344, PMCID: PMC8962531

Color Diagnostics, LLC DBA Color Health
Classification: Likely benign for Cardiomyopathy. Last evaluated: 2022-10-03. Review status: criteria provided, single submitter. Criteria: ACMG Guidelines, 2015. Collection method: clinical testing. Allele origin: germline.

Ambry Genetics
Classification: Likely benign for Cardiovascular phenotype. Last evaluated: 2020-08-14. Review status: criteria provided, single submitter. Criteria: Ambry Variant Classification Scheme 2023. Collection method: clinical testing. Allele origin: germline.